The following is an entry in ClinVar:

NM_024721.5(ZFHX4):c.9960A>G (p.Gln3320=)

Gene: ZFHX4 (zinc finger homeobox 4; plus strand). Cytogenetic location: 8q21.13.
Variant type: single nucleotide variant.
Coding change: c.9960A>G on transcript NM_024721.5 (MANE Select); coding-DNA position 9960, A replaced by G.
Protein change: p.Gln3320=; no amino-acid change (glutamine 3320 retained).
Molecular consequence: synonymous variant.
Genome position (GRCh38, 1-based): chr8:76,863,674, A>G. VCF-style: chr8-76863674-A-G. GRCh37 (hg19) VCF-style: chr8-77775910-A-G.
Other names: c.9882A>G, p.Gln3294= (NM_001410934.1).
Identifiers: ClinVar variation 2658670 (VCV002658670.24), dbSNP rs187554888, ClinGen allele CA4788473.

ClinVar aggregate classification (germline): Likely benign (1 of 4 stars; one submission).

Allele frequency attached by ClinVar (database versions not stated): 1000 Genomes Project 30x 0.00156; 1000 Genomes Project 0.00180; ESP Exome Variant Server 0.00186; gnomAD 0.00197; TOPMed 0.00198; ExAC 0.00252; gnomAD exomes 0.00312.
gnomAD v4.1: 4,840 of 1,603,882 alleles (0.3%); highest among the groups gnomAD compares: Non-Finnish European, 0.36%; 12 homozygotes.

Submission:

CeGaT Center for Human Genetics Tuebingen
Classification: Likely benign. Last evaluated: 2026-02-01. Review status: criteria provided, single submitter. Criteria: CeGaT Center For Human Genetics Tuebingen Variant Classification Criteria Version 2. Collection method: clinical testing. Allele origin: germline. Affected: yes. Observed: 6 variant alleles.
Comment: ZFHX4: BP4, BP7, BS1